The following is an entry in ClinVar:

ClinVar aggregate classification (germline): Uncertain significance. Review status: criteria provided, multiple submitters, no conflicts (2 of 4 stars). 2 submissions from 2 submitters: Uncertain significance (2). Last evaluated 2025-03-26.

Conditions:
Hereditary cancer-predisposing syndrome. Also called: Neoplastic Syndromes, Hereditary; Hereditary Cancer Syndrome; Hereditary neoplastic syndrome; Tumor predisposition. Identifiers: Orphanet 140162, MedGen C0027672, MeSH D009386, MONDO:0015356.
Bloom syndrome (BLM). Also called: Bloom-Torre-Machacek syndrome. Identifiers: Orphanet 125, MedGen C0005859, MONDO:0008876, OMIM 210900.

gnomAD v4.1: 4 of 1,613,656 alleles (0.00025%); highest among the groups gnomAD compares: Admixed American, 0.0067%; no homozygotes.

Submissions (2):

Ambry Genetics
Classification: Uncertain significance for Hereditary cancer-predisposing syndrome. Last evaluated: 2025-03-26. Review status: criteria provided, single submitter. Criteria: Ambry Variant Classification Scheme 2023. Collection method: clinical testing. Allele origin: germline.
Comment: The p.S1300R variant (also known as c.3900C>G), located in coding exon 20 of the BLM gene, results from a C to G substitution at nucleotide position 3900. The serine at codon 1300 is replaced by arginine, an amino acid with dissimilar properties. This amino acid position is conserved. In addition, this alteration is predicted to be tolerated by in silico analysis. Based on the available evidence, the clinical significance of this variant remains unclear.

Labcorp Genetics (formerly Invitae), Labcorp
Classification: Uncertain significance for Bloom syndrome. Last evaluated: 2024-12-30. Review status: criteria provided, single submitter. Criteria: Invitae Variant Classification Sherloc (09022015). Collection method: clinical testing. Allele origin: germline.
Comment: This sequence change replaces serine, which is neutral and polar, with arginine, which is basic and polar, at codon 1300 of the BLM protein (p.Ser1300Arg). This variant is present in population databases (rs769564626, gnomAD 0.01%). This variant has not been reported in the literature in individuals affected with BLM-related conditions. ClinVar contains an entry for this variant (Variation ID: 1440157). Invitae Evidence Modeling of protein sequence and biophysical properties (such as structural, functional, and spatial information, amino acid conservation, physicochemical variation, residue mobility, and thermodynamic stability) indicates that this missense variant is not expected to disrupt BLM protein function with a negative predictive value of 80%. In summary, the available evidence is currently insufficient to determine the role of this variant in disease. Therefore, it has been classified as a Variant of Uncertain Significance.

NM_000057.4(BLM):c.3900C>G (p.Ser1300Arg)

Gene: BLM (BLM RecQ like helicase; plus strand). Cytogenetic location: 15q26.1.
Variant type: single nucleotide variant.
Coding change: c.3900C>G on transcript NM_000057.4 (MANE Select); coding-DNA position 3900, C replaced by G.
Protein change: p.Ser1300Arg; replaces serine 1300 with arginine.
Molecular consequence: missense variant.
Genome position (GRCh38, 1-based): chr15:90,811,230, C>G. VCF-style: chr15-90811230-C-G. GRCh37 (hg19) VCF-style: chr15-91354460-C-G.
Other names: c.3900C>G (NM_000057.2); c.3900C>G, p.Ser1300Arg (NM_001287246.2); c.3507C>G, p.Ser1169Arg (NM_001287247.2); c.2775C>G, p.Ser925Arg (NM_001287248.2); short protein forms S1169R, S925R, S1300R.
Identifiers: ClinVar variation 1440157 (VCV001440157.9), dbSNP rs769564626, ClinGen allele CA7739155.